The following is an entry in ClinVar:

NM_014714.4(IFT140):c.1770+106T>G

Gene: IFT140 (intraflagellar transport 140; minus strand). Cytogenetic location: 16p13.3.
Variant type: single nucleotide variant.
Coding change: c.1770+106T>G on transcript NM_014714.4 (MANE Select); 106 bases into the intron after coding-DNA position 1770, T replaced by G.
Molecular consequence: intron variant.
Genome position (GRCh38, 1-based): chr16:1,568,111, A>C on the plus strand (T>G on the coding strand, the complement: IFT140 is on the minus strand). VCF-style: chr16-1568111-A-C. GRCh37 (hg19) VCF-style: chr16-1618112-A-C.
Identifiers: ClinVar variation 1707187 (VCV001707187.2), dbSNP rs11646462, ClinGen allele CA16516086.

ClinVar aggregate classification (germline): Likely benign (1 of 4 stars; one submission).

Allele frequency attached by ClinVar (database versions not stated): 1000 Genomes Project 0.07129; gnomAD exomes 0.06152; TOPMed 0.06715; 1000 Genomes Project 30x 0.06918.
gnomAD v4.1: 45,498 of 763,138 alleles (6%); highest among the groups gnomAD compares: Admixed American, 25%; 2,900 homozygotes.

Submission:

GeneDx
Classification: Likely benign. Last evaluated: 2021-05-12. Review status: criteria provided, single submitter. Criteria: GeneDx Variant Classification Process June 2021. Collection method: clinical testing. Allele origin: germline. Affected: yes.
Comment: See Variant Classification Assertion Criteria.